The following is an entry in ClinVar:

NM_001267550.2(TTN):c.58362C>T (p.Ser19454=)

Genes: TTN (titin; minus strand), TTN-AS1 (TTN antisense RNA 1; plus strand). Cytogenetic location: 2q31.2.
Variant type: single nucleotide variant.
Coding change: c.58362C>T on transcript NM_001267550.2 (MANE Select); coding-DNA position 58362, C replaced by T.
Protein change: p.Ser19454=; no amino-acid change (serine 19454 retained).
Molecular consequence: synonymous variant.
Genome position (GRCh38, 1-based): chr2:178,594,031, G>A on the plus strand (C>T on the coding strand, the complement: TTN is on the minus strand). VCF-style: chr2-178594031-G-A. GRCh37 (hg19) VCF-style: chr2-179458758-G-A.
Other names: c.53439C>T, p.Ser17813= (NM_001256850.1); c.31167C>T, p.Ser10389= (NM_003319.4); c.50658C>T, p.Ser16886= (NM_133378.4); c.31542C>T, p.Ser10514= (NM_133432.3); c.31743C>T, p.Ser10581= (NM_133437.4).
Identifiers: ClinVar variation 515074 (VCV000515074.19), dbSNP rs374998127, ClinGen allele CA1992875.
Genomic context (GRCh38, chr2:178,594,031, plus strand): 5'-AACTTGACAGAAACCTTTCCTAGAGCCTGTACTGTTCTCCACAACCACACAGTATTTGCC[G>A]GAATCTGAACGTTTGGCCTTGATCTTCTCTAAAGCAAGTGTTGCTGGTGTAGTCTTTATA-3'
Protein context (NP_001254479.2, residues 19444-19464): LEKIKAKRSD[Ser19454=]GKYCVVVENS

ClinVar aggregate classification (germline): Likely benign. Review status: criteria provided, multiple submitters, no conflicts (2 of 4 stars). 6 submissions from 6 submitters: Likely benign (6). Last evaluated 2026-01-24.

Conditions:
Autosomal recessive limb-girdle muscular dystrophy type 2J (LGMDR10). Also called: Limb-girdle muscular dystrophy, type 2J; MUSCULAR DYSTROPHY, LIMB-GIRDLE, AUTOSOMAL RECESSIVE 10. Identifiers: Orphanet 140922, MedGen C1837342, MONDO:0012127, OMIM 608807.
Dilated cardiomyopathy 1G (CMD1G). Identifiers: Orphanet 154, MedGen C1858763, MONDO:0011400, OMIM 604145.
TTN-related disorder. Also called: TTN-related condition; TTN-related disease; TTN-related disorders.
Cardiovascular phenotype. Identifiers: MedGen CN230736.

Allele frequency attached by ClinVar (database versions not stated): ExAC 0.00007; gnomAD exomes 0.00008 and 0.00011; gnomAD 0.00012 and 0.00013; TOPMed 0.00014; ESP Exome Variant Server 0.00016; 1000 Genomes Project 0.00040; 1000 Genomes Project 30x 0.00047.
gnomAD v4.1: 179 of 1,613,512 alleles (0.011%); highest among the groups gnomAD compares: African/African-American, 0.023%; no homozygotes.

Submissions (6):

Labcorp Genetics (formerly Invitae), Labcorp
Classification: Likely benign for Dilated cardiomyopathy 1G; Autosomal recessive limb-girdle muscular dystrophy type 2J. Last evaluated: 2026-01-24. Review status: criteria provided, single submitter. Criteria: Invitae Variant Classification Sherloc (09022015). Collection method: clinical testing. Allele origin: germline.

PreventionGenetics, part of Exact Sciences
Classification: Likely benign for TTN-related condition. Last evaluated: 2025-05-27. Review status: criteria provided, single submitter. Criteria: ACMG Guidelines, 2015. Collection method: clinical testing. Allele origin: germline.
Comment: This variant is classified as likely benign based on ACMG/AMP sequence variant interpretation guidelines (Richards et al. 2015 PMID: 25741868, with internal and published modifications).

ARUP Laboratories, Molecular Genetics and Genomics, ARUP Laboratories
Classification: Likely benign. Last evaluated: 2025-05-20. Review status: criteria provided, single submitter. Criteria: ARUP Molecular Germline Variant Investigation Process 2024. Collection method: clinical testing. Allele origin: germline.

Blueprint Genetics
Classification: Likely benign. Last evaluated: 2024-09-05. Review status: criteria provided, single submitter. Criteria: ACMG Guidelines, 2015. Collection method: clinical testing. Allele origin: germline.

GeneDx
Classification: Likely benign. Last evaluated: 2021-03-23. Review status: criteria provided, single submitter. Criteria: GeneDx Variant Classification Process June 2021. Collection method: clinical testing. Allele origin: germline. Affected: yes.

Ambry Genetics
Classification: Likely benign for Cardiovascular phenotype. Last evaluated: 2019-04-16. Review status: criteria provided, single submitter. Criteria: Ambry Variant Classification Scheme 2023. Collection method: clinical testing. Allele origin: germline.